The following is an entry in ClinVar:

ClinVar aggregate classification (germline): Uncertain significance (1 of 4 stars; one submission).

Conditions:
Charcot-Marie-Tooth disease type 4. Also called: Charcot-Marie-Tooth disease, type IV; Charcot-Marie-Tooth, Type 4. Identifiers: Orphanet 64749, MedGen C4082197, MONDO:0018995.

Submission:

Labcorp Genetics (formerly Invitae), Labcorp
Classification: Uncertain significance for Charcot-Marie-Tooth disease type 4. Last evaluated: 2025-10-22. Review status: criteria provided, single submitter. Criteria: Invitae Variant Classification Sherloc (09022015). Collection method: clinical testing. Allele origin: germline.
Comment: This sequence change replaces glutamic acid, which is acidic and polar, with glutamine, which is neutral and polar, at codon 1522 of the SBF2 protein (p.Glu1522Gln). This variant is not present in population databases (gnomAD no frequency). This variant has not been reported in the literature in individuals affected with SBF2-related conditions. ClinVar contains an entry for this variant (Variation ID: 936949). Invitae Evidence Modeling of protein sequence and biophysical properties (such as structural, functional, and spatial information, amino acid conservation, physicochemical variation, residue mobility, and thermodynamic stability) indicates that this missense variant is not expected to disrupt SBF2 protein function with a negative predictive value of 80%. In summary, the available evidence is currently insufficient to determine the role of this variant in disease. Therefore, it has been classified as a Variant of Uncertain Significance.

NM_030962.4(SBF2):c.4564G>C (p.Glu1522Gln)

Genes: SBF2 (SET binding factor 2; minus strand), SBF2-AS1 (SBF2 antisense RNA 1; plus strand). Cytogenetic location: 11p15.4.
Variant type: single nucleotide variant.
Coding change: c.4564G>C on transcript NM_030962.4 (MANE Select); coding-DNA position 4564, G replaced by C.
Protein change: p.Glu1522Gln; replaces glutamic acid 1522 with glutamine.
Molecular consequence: missense variant.
Genome position (GRCh38, 1-based): chr11:9,795,837, C>G on the plus strand (G>C on the coding strand, the complement: SBF2 is on the minus strand). VCF-style: chr11-9795837-C-G. GRCh37 (hg19) VCF-style: chr11-9817384-C-G.
Other names: c.4660G>C, p.Glu1554Gln (NM_001386339.1); c.4435G>C, p.Glu1479Gln (NM_001386342.1); short protein forms E1522Q, E1479Q, E1554Q.
Identifiers: ClinVar variation 936949 (VCV000936949.10), dbSNP rs1853090043, ClinGen allele CA379636289.
Genomic context (GRCh38, chr11:9,795,837, plus strand): 5'-TAAAAACATGCAGAACTAACAAAAAAGATGAAACAAGGGCATACAGACACATACCGTGCT[C>G]TAATCTTTCATAGTCTGAATCCAGGAGAAATGTTTTAAAGCGATTAGACACATAGTGGAA-3'
Protein context (NP_112224.1, residues 1512-1532): FLLDSDYERL[Glu1522Gln]HGTLFDDKGE